The following is an entry in ClinVar:

NM_000057.4(BLM):c.4234C>T (p.Pro1412Ser)

Gene: BLM (BLM RecQ like helicase; plus strand). Cytogenetic location: 15q26.1.
Variant type: single nucleotide variant.
Coding change: c.4234C>T on transcript NM_000057.4 (MANE Select); coding-DNA position 4234, C replaced by T.
Protein change: p.Pro1412Ser; replaces proline 1412 with serine.
Molecular consequence: missense variant.
Genome position (GRCh38, 1-based): chr15:90,815,259, C>T. VCF-style: chr15-90815259-C-T. GRCh37 (hg19) VCF-style: chr15-91358489-C-T.
Other names: c.4234C>T, p.Pro1412Ser (NM_001287246.2); c.3841C>T, p.Pro1281Ser (NM_001287247.2); c.3109C>T, p.Pro1037Ser (NM_001287248.2); short protein forms P1037S, P1281S, P1412S.
Identifiers: ClinVar variation 2974863 (VCV002974863.3), dbSNP rs1249221595, ClinGen allele CA393853264.
Genomic context (GRCh38, chr15:90,815,259, plus strand): 5'-GCCAATAGCAAATTGGGGATTATGGCTCCACCGAAGCCTATAAATAGACCGTTTCTTAAG[C>T]CTTCATATGCATTCTCATAACAACCGAATCTCAATGTACATAGACCCTCTTTCTTGTTTG-3'
Protein context (NP_000048.1, residues 1402-1417): PKPINRPFLK[Pro1412Ser]SYAFS

ClinVar aggregate classification (germline): Uncertain significance (1 of 4 stars; one submission).

Conditions:
Bloom syndrome (BLM). Also called: Bloom-Torre-Machacek syndrome. Identifiers: Orphanet 125, MedGen C0005859, MONDO:0008876, OMIM 210900.

Allele frequency attached by ClinVar (database versions not stated): gnomAD exomes below 0.00001.
gnomAD v4.1: 1 of 1,614,092 alleles (0.000062%); highest among the groups gnomAD compares: South Asian, 0.0011%; no homozygotes.

Submission:

Labcorp Genetics (formerly Invitae), Labcorp
Classification: Uncertain significance for Bloom syndrome. Last evaluated: 2023-01-29. Review status: criteria provided, single submitter. Criteria: Invitae Variant Classification Sherloc (09022015). Collection method: clinical testing. Allele origin: germline.
Comment: This sequence change replaces proline, which is neutral and non-polar, with serine, which is neutral and polar, at codon 1412 of the BLM protein (p.Pro1412Ser). This variant is present in population databases (no rsID available, gnomAD 0.003%). This variant has not been reported in the literature in individuals affected with BLM-related conditions. Algorithms developed to predict the effect of missense changes on protein structure and function are either unavailable or do not agree on the potential impact of this missense change (SIFT: "Tolerated"; PolyPhen-2: "Probably Damaging"; Align-GVGD: "Class C0"). In summary, the available evidence is currently insufficient to determine the role of this variant in disease. Therefore, it has been classified as a Variant of Uncertain Significance.